The following is an entry in ClinVar:

NM_000454.5(SOD1):c.14C>T (p.Ala5Val)

Genes: SOD1 (superoxide dismutase 1; plus strand), SOD1-DT (SOD1 divergent transcript; minus strand). Cytogenetic location: 21q22.11.
Variant type: single nucleotide variant.
Coding change: c.14C>T on transcript NM_000454.5 (MANE Select); coding-DNA position 14, C replaced by T.
Protein change: p.Ala5Val; replaces alanine 5 with valine.
Molecular consequence: missense variant.
Genome position (GRCh38, 1-based): chr21:31,659,783, C>T. VCF-style: chr21-31659783-C-T. GRCh37 (hg19) VCF-style: chr21-33032096-C-T.
Other names: A4V; short protein forms A5V.
Identifiers: ClinVar variation 14763 (VCV000014763.29), dbSNP rs121912442, ClinGen allele CA257333.
Genomic context (GRCh38, chr21:31,659,783, plus strand): 5'-TCCGTTGCAGTCCTCGGAACCAGGACCTCGGCGTGGCCTAGCGAGTTATGGCGACGAAGG[C>T]CGTGTGCGTGCTGAAGGGCGACGGCCCAGTGCAGGGCATCATCAATTTCGAGCAGAAGGC-3'
Protein context (NP_000445.1, residues 1-15): MATK[Ala5Val]VCVLKGDGPV

ClinVar aggregate classification (germline): Pathogenic. Review status: criteria provided, multiple submitters, no conflicts (2 of 4 stars). 9 submissions from 9 submitters: Pathogenic (8). 1 of the submissions does not count toward it. Last evaluated 2026-02-03.

Conditions:
SOD1-related disorder. Also called: SOD1-related condition.
Amyotrophic lateral sclerosis type 1 (ALS1). Also called: AMYOTROPHIC LATERAL SCLEROSIS 1, FAMILIAL. Identifiers: Orphanet 803, MedGen C1862939, MONDO:0007103, OMIM 105400.

Allele frequency attached by ClinVar (database versions not stated): gnomAD exomes below 0.00001 and 0.00004.
gnomAD v4.1: 2 of 1,613,934 alleles (0.00012%); highest among the groups gnomAD compares: Non-Finnish European, 0.00017%; no homozygotes.

Submissions (9):

Labcorp Genetics (formerly Invitae), Labcorp
Classification: Pathogenic for Amyotrophic lateral sclerosis type 1. Last evaluated: 2026-02-03. Review status: criteria provided, single submitter. Criteria: Invitae Variant Classification Sherloc (09022015). Collection method: clinical testing. Allele origin: germline.
Comment: This sequence change replaces alanine, which is neutral and non-polar, with valine, which is neutral and non-polar, at codon 5 of the SOD1 protein (p.Ala5Val). This variant is present in population databases (rs121912442, gnomAD 0.008%). This missense change has been observed in individuals with autosomal dominant amyotrophic lateral sclerosis (PMID: 7951249, 8351519, 19176896, 19618436). This variant is also known as p.Ala4Val. ClinVar contains an entry for this variant (Variation ID: 14763). Invitae Evidence Modeling of protein sequence and biophysical properties (such as structural, functional, and spatial information, amino acid conservation, physicochemical variation, residue mobility, and thermodynamic stability) indicates that this missense variant is expected to disrupt SOD1 protein function with a positive predictive value of 95%. Experimental studies have shown that this missense change affects SOD1 function (PMID: 12482932, 19259395, 19483195, 19800308, 20404329, 21549128, 22094223). For these reasons, this variant has been classified as Pathogenic.

PreventionGenetics, part of Exact Sciences
Classification: Pathogenic for SOD1-related condition. Last evaluated: 2026-02-02. Review status: criteria provided, single submitter. Criteria: ACMG Guidelines, 2015. Collection method: clinical testing. Allele origin: germline.
Comment: The SOD1 c.14C>T variant is predicted to result in the amino acid substitution p.Ala5Val. This variant is alternately referred to as p.Ala4Val using legacy nomenclature. This variant has been repeatedly reported to be causative for amyotrophic lateral sclerosis (ALS, see for example, Deng et al. 1993. PubMed ID: 8351519; Saeed et al. 2009. PubMed ID: 19176896; Benatar et al. 2025. PubMed ID: 39706636). Functional studies shows that this variant adversely impacts protein function (see for example, An et al. 2008. PubMed ID: 18319614; Fujisawa et al. 2012. PubMed ID: 23280792; Ly et al. 2023. PubMed ID: 37119480). Alternate missense changes at the same amino acid position (p.Ala5Phe, p.Ala5Ser, p.Ala5Thr) have also been reported to affect protein function (see for example, Deng et al. 1993. PubMed ID: 8351519; Broom et al. 2015. PubMed ID: 26362407; Da Silva et al. 2019. PubMed ID: 31134679). The c.14C>T variant has been consistently classified as pathogenic in the ClinVar database by multiple submitters (Variation ID: 14763) and is reported in 0.0080% of alleles in individuals of European (non-Finnish) descent in gnomAD. Taken together, the c.14C>T (p.Ala5Val) variant is interpreted as pathogenic.

Mayo Clinic Laboratories, Mayo Clinic
Classification: Pathogenic. Last evaluated: 2023-07-17. Review status: criteria provided, single submitter. Criteria: ACMG Guidelines, 2015. Collection method: clinical testing. Allele origin: germline.
Comment: PP3, PM2_moderate, PS3, PS4_moderate

Athena Diagnostics
Classification: Pathogenic. Last evaluated: 2023-06-29. Review status: criteria provided, single submitter. Criteria: Athena Diagnostics Criteria. Collection method: clinical testing. Allele origin: unknown.
Comment: A5V is the most common ALS-associated variant in North America (PMID: 19176896, 18055113, 9029070), therefore, the frequency of this variant in the general population is consistent with pathogenicity (Genome Aggregation Database (gnomAD), Cambridge, MA (URL)). At least one other missense variant at this codon is considered to be pathogenic or likely pathogenic, suggesting this variant may also cause disease. This variant is also referred to as A4V in published literature. This variant occurs as the most likely explanation for disease in a significant number of cases, suggesting this variant is associated with disease. Assessment of experimental evidence suggests this variant results in abnormal protein function. (PMID: 20184893, 19635794, 16945901, 23291526)

GeneDx
Classification: Pathogenic. Last evaluated: 2020-02-18. Review status: criteria provided, single submitter. Criteria: GeneDx Variant Classification Process June 2021. Collection method: clinical testing. Allele origin: germline. Affected: yes.
Comment: Functional studies demonstrate a 50% reduction in activity of cytosolic SOD1 in patients with A5V compared to unaffected individuals (Rosen et al., 1994; Lindberg et al., 2002); Additional published functional studies demonstrate that the variant alters protein stability and activity, results in reduced nuclear localization, and leads to formation of inclusions (Brasil et al., 2018); In silico analysis, which includes protein predictors and evolutionary conservation, supports a deleterious effect; This variant is associated with the following publications: (PMID: 28884318, 8351519, 19618436, 31781168, 29564924, 31134679, 19176896, 26362407, 26298469, 26084641, 12482932, 21257910, 16945901, 20404910, 23118898, 23784844, 21930207, 22094223, 18319614, 24793051, 20184893, 21549128, 20399791, 23291526, 25096579, 23760509, 20404329, 19635794, 19196430, 24134191, 7951249, 19483195, 22589106, 19259395, 19751676, 23280792, 19800308, 26413785)

Fulgent Genetics
Classification: Pathogenic for Amyotrophic lateral sclerosis type 1. Last evaluated: 2018-10-31. Review status: criteria provided, single submitter. Criteria: ACMG Guidelines, 2015. Collection method: clinical testing. Allele origin: unknown.

Eurofins Ntd Llc (ga)
Classification: Pathogenic. Last evaluated: 2014-07-28. Review status: criteria provided, single submitter. Criteria: EGL Classification Definitions 2015. Collection method: clinical testing. Allele origin: germline. Observed: 2 variant alleles, 2 heterozygotes.

Neuberg Centre For Genomic Medicine, NCGM
Classification: Pathogenic for Amyotrophic lateral sclerosis type 1. Review status: criteria provided, single submitter. Criteria: ACMG Guidelines, 2015. Collection method: clinical testing. Allele origin: germline. Inheritance: Autosomal dominant inheritance. Affected: yes.
Comment: The missense variant c.14C>T (p.Ala5Val) has been reported in many individuals affected with familial amyotrophic lateral sclerosis (FALS) (Deng et al. 1993, Salameh et al. 2009) and has been reported to segregate with disease in multiple families (Deng et al. 1993). Experimental studies have shown that this missense change impacts SOD1 protein structure and leads to mis-folding and aggregation (Prudencio et al. 2011). It has also been shown to impact cell survival in human embryonic stem cell-derived motor neurons (Karumbayaram et al. 2009). The p.Ala5Val variant is novel (not in any individuals) in 1000 Genomes and is present in the gnomAD exomes database with a frequency of 0.004%. This variant has been reported to the ClinVar database as Pathogenic. The amino acid Ala at position 5 is changed to a Val changing protein sequence and it might alter its composition and physico-chemical properties. The variant is predicted to be damaging by both SIFT and PolyPhen2. The residue is conserved across species. The amino acid change p.Ala5Val in SOD1 is predicted as conserved by GERP++ and PhyloP across 100 vertebrates. For these reasons, this variant has been classified as Pathogenic.

OMIM
Classification: Pathogenic for AMYOTROPHIC LATERAL SCLEROSIS 1. Last evaluated: 2009-05-12. Review status: no assertion criteria provided. Collection method: literature only. Allele origin: germline. Not counted in ClinVar's aggregate classification.

Literature cited by the submitters: PubMed 7951249 (cited by 3 submitters); PubMed 8351519 (cited by 5 submitters); PubMed 19176896 (cited by 3 submitters); PubMed 19618436 (cited by Labcorp Genetics (formerly Invitae), Labcorp and Athena Diagnostics); PubMed 12482932 (cited by Labcorp Genetics (formerly Invitae), Labcorp); PubMed 19259395 (cited by Labcorp Genetics (formerly Invitae), Labcorp and Athena Diagnostics); PubMed 19483195 (cited by Labcorp Genetics (formerly Invitae), Labcorp); PubMed 19800308 (cited by Labcorp Genetics (formerly Invitae), Labcorp and Mayo Clinic Laboratories, Mayo Clinic); PubMed 20404329 (cited by Labcorp Genetics (formerly Invitae), Labcorp); PubMed 21549128 (cited by Labcorp Genetics (formerly Invitae), Labcorp); PubMed 22094223 (cited by Labcorp Genetics (formerly Invitae), Labcorp); PubMed 1248932 (cited by Mayo Clinic Laboratories, Mayo Clinic); PubMed 18319614 (cited by Mayo Clinic Laboratories, Mayo Clinic); PubMed 29564924 (cited by Mayo Clinic Laboratories, Mayo Clinic and Athena Diagnostics); PubMed 31134679 (cited by Mayo Clinic Laboratories, Mayo Clinic); PubMed 31781168 (cited by Mayo Clinic Laboratories, Mayo Clinic and Athena Diagnostics); PubMed 9029070 (cited by Mayo Clinic Laboratories, Mayo Clinic and Athena Diagnostics); PubMed 9365366 (cited by Athena Diagnostics); PubMed 11369193 (cited by Athena Diagnostics); PubMed 7887412 (cited by Athena Diagnostics); PubMed 31788332 (cited by Athena Diagnostics); PubMed 25174650 (cited by Athena Diagnostics); PubMed 16945901 (cited by Athena Diagnostics); PubMed 19635794 (cited by Athena Diagnostics); PubMed 20184893 (cited by Athena Diagnostics); PubMed 23291526 (cited by Athena Diagnostics); PubMed 18055113 (cited by Athena Diagnostics); PubMed 18428003 (cited by Athena Diagnostics); PubMed 14875225 (cited by OMIM); PubMed 13804989 (cited by OMIM); PubMed 8560268 (cited by OMIM); PubMed 17486090 (cited by OMIM).